The following is an entry in ClinVar:

NM_014254.3(RXYLT1):c.69T>G (p.Ala23=)

Gene: RXYLT1 (ribitol xylosyltransferase 1; plus strand). Cytogenetic location: 12q14.2.
Variant type: single nucleotide variant.
Coding change: c.69T>G on transcript NM_014254.3 (MANE Select); coding-DNA position 69, T replaced by G.
Protein change: p.Ala23=; no amino-acid change (alanine 23 retained).
Molecular consequence: synonymous variant. On other transcripts: 5 prime UTR variant (1).
Genome position (GRCh38, 1-based): chr12:63,780,029, T>G. VCF-style: chr12-63780029-T-G. GRCh37 (hg19) VCF-style: chr12-64173809-T-G.
Other names: c.-1045T>G (NM_001278237.2).
Identifiers: ClinVar variation 2643157 (VCV002643157.24), dbSNP rs1897635175, ClinGen allele CA480534850.
Genomic context (GRCh38, chr12:63,780,029, plus strand): 5'-GACGCGGAAGCGGCTCTGCTCGTTTCTTATCGCCCTGTACTGCCTATTCTCCCTCTACGC[T>G]GCCTACCACGTCTTCTTCGGGCGCCGCCGCCAGGCGCCGGCCGGGTCCCCGCGGGGCCTC-3'
Protein context (NP_055069.1, residues 13-33): IALYCLFSLY[Ala23=]AYHVFFGRRR

ClinVar aggregate classification (germline): Likely benign (1 of 4 stars; one submission).

Submission:

CeGaT Center for Human Genetics Tuebingen
Classification: Likely benign. Last evaluated: 2025-09-01. Review status: criteria provided, single submitter. Criteria: CeGaT Center For Human Genetics Tuebingen Variant Classification Criteria Version 2. Collection method: clinical testing. Allele origin: germline. Affected: yes. Observed: 4 variant alleles.
Comment: RXYLT1: BP4, BP7